The following is an entry in ClinVar:

NM_007194.4(CHEK2):c.189A>G (p.Leu63=)

Gene: CHEK2 (checkpoint kinase 2; minus strand). Cytogenetic location: 22q12.1.
Variant type: single nucleotide variant.
Coding change: c.189A>G on transcript NM_007194.4 (MANE Select); coding-DNA position 189, A replaced by G.
Protein change: p.Leu63=; no amino-acid change (leucine 63 retained).
Molecular consequence: synonymous variant.
Genome position (GRCh38, 1-based): chr22:28,734,533, T>C on the plus strand (A>G on the coding strand, the complement: CHEK2 is on the minus strand). VCF-style: chr22-28734533-T-C. GRCh37 (hg19) VCF-style: chr22-29130521-T-C.
Other names: c.189A>G, p.Leu63= (NM_001005735.3, NM_001349956.3, NM_145862.3); c.-589A>G (NM_001257387.3).
Identifiers: ClinVar variation 627882 (VCV000627882.19), dbSNP rs761028062, ClinGen allele CA10168062.

ClinVar aggregate classification (germline): Benign/Likely benign. Review status: criteria provided, multiple submitters, no conflicts (2 of 4 stars). 4 submissions from 4 submitters: Benign (1); Likely benign (3). Last evaluated 2025-04-07.

Conditions:
Hereditary cancer-predisposing syndrome. Also called: Tumor predisposition; Hereditary Cancer Syndrome; Neoplastic Syndromes, Hereditary; Hereditary neoplastic syndrome. Identifiers: Orphanet 140162, MedGen C0027672, MeSH D009386, MONDO:0015356.
Familial cancer of breast. Also called: BREAST CANCER, FAMILIAL; Hereditary breast cancer; hereditary breast carcinoma. Identifiers: Orphanet 227535, MedGen C0346153, MONDO:0016419, OMIM 114480. Disease mechanism: loss of function.

Allele frequency attached by ClinVar (database versions not stated): gnomAD exomes below 0.00001; TOPMed below 0.00001; ExAC 0.00001; gnomAD 0.00001.
gnomAD v4.1: 6 of 1,613,786 alleles (0.00037%); highest among the groups gnomAD compares: South Asian, 0.0011%; no homozygotes.

Submissions (4):

Labcorp Genetics (formerly Invitae), Labcorp
Classification: Likely benign for Familial cancer of breast. Last evaluated: 2025-04-07. Review status: criteria provided, single submitter. Criteria: Invitae Variant Classification Sherloc (09022015). Collection method: clinical testing. Allele origin: germline.

Myriad Genetics, Inc.
Classification: Benign for Familial cancer of breast. Last evaluated: 2024-10-01. Review status: criteria provided, single submitter. Criteria: Myriad Autosomal Dominant, Autosomal Recessive and X-Linked Classification Criteria (2023). Collection method: clinical testing. Allele origin: unknown.
Comment: This variant is considered benign. This variant is a silent/synonymous amino acid change and it is not expected to impact splicing.

Ambry Genetics
Classification: Likely benign for Hereditary cancer-predisposing syndrome. Last evaluated: 2019-12-08. Review status: criteria provided, single submitter. Criteria: Ambry Variant Classification Scheme 2023. Collection method: clinical testing. Allele origin: germline.

Color Diagnostics, LLC DBA Color Health
Classification: Likely benign for Hereditary cancer-predisposing syndrome. Last evaluated: 2017-10-23. Review status: criteria provided, single submitter. Criteria: ACMG Guidelines, 2015. Collection method: clinical testing. Allele origin: germline.